The following is an entry in ClinVar:

ClinVar aggregate classification (germline): Uncertain significance. Review status: criteria provided, multiple submitters, no conflicts (2 of 4 stars). 2 submissions from 2 submitters: Uncertain significance (2). Last evaluated 2025-06-12.

Conditions:
Cystinuria (CSNU). Also called: CYSTINURIA, TYPE I; CYSTINURIA, TYPE II; CYSTINURIA, TYPE III; Cystinuria, non-type I. Identifiers: Orphanet 214, MedGen C0010691, MONDO:0009067, OMIM 220100, HP:0003131.

gnomAD v4.1: 49 of 1,613,182 alleles (0.003%); highest among the groups gnomAD compares: African/African-American, 0.053%; no homozygotes.

Submissions (2):

Labcorp Genetics (formerly Invitae), Labcorp
Classification: Uncertain significance. Last evaluated: 2025-06-12. Review status: criteria provided, single submitter. Criteria: Invitae Variant Classification Sherloc (09022015). Collection method: clinical testing. Allele origin: germline.
Comment: This sequence change replaces alanine, which is neutral and non-polar, with threonine, which is neutral and polar, at codon 158 of the SLC7A9 protein (p.Ala158Thr). This variant is present in population databases (rs140134166, gnomAD 0.08%). This variant has not been reported in the literature in individuals affected with SLC7A9-related conditions. ClinVar contains an entry for this variant (Variation ID: 3583612). Invitae Evidence Modeling of protein sequence and biophysical properties (such as structural, functional, and spatial information, amino acid conservation, physicochemical variation, residue mobility, and thermodynamic stability) indicates that this missense variant is not expected to disrupt SLC7A9 protein function with a negative predictive value of 80%. In summary, the available evidence is currently insufficient to determine the role of this variant in disease. Therefore, it has been classified as a Variant of Uncertain Significance.

Fulgent Genetics
Classification: Uncertain significance for Cystinuria. Last evaluated: 2024-04-10. Review status: criteria provided, single submitter. Criteria: ACMG Guidelines, 2015. Collection method: clinical testing. Allele origin: germline.

NM_014270.5(SLC7A9):c.472G>A (p.Ala158Thr)

Gene: SLC7A9 (solute carrier family 7 member 9; minus strand). Cytogenetic location: 19q13.11.
Variant type: single nucleotide variant.
Coding change: c.472G>A on transcript NM_014270.5 (MANE Select); coding-DNA position 472, G replaced by A.
Protein change: p.Ala158Thr; replaces alanine 158 with threonine.
Molecular consequence: missense variant.
Genome position (GRCh38, 1-based): chr19:32,864,102, C>T on the plus strand (G>A on the coding strand, the complement: SLC7A9 is on the minus strand). VCF-style: chr19-32864102-C-T. GRCh37 (hg19) VCF-style: chr19-33355008-C-T.
Other names: c.472G>A, p.Ala158Thr (NM_001126335.2, NM_001243036.2); short protein forms A158T.
Identifiers: ClinVar variation 3583612 (VCV003583612.3).